The following is an entry in ClinVar:

NM_001379200.1(TBX1):c.137C>T (p.Pro46Leu)

Gene: TBX1 (T-box transcription factor 1; plus strand). Cytogenetic location: 22q11.21.
Variant type: single nucleotide variant.
Coding change: c.137C>T on transcript NM_001379200.1 (MANE Select); coding-DNA position 137, C replaced by T.
Protein change: p.Pro46Leu; replaces proline 46 with leucine.
Molecular consequence: missense variant.
Genome position (GRCh38, 1-based): chr22:19,760,980, C>T. VCF-style: chr22-19760980-C-T. GRCh37 (hg19) VCF-style: chr22-19748503-C-T.
Other names: c.110C>T, p.Pro37Leu (NM_005992.1, NM_080646.2, NM_080647.1); short protein forms P37L, P46L.
Identifiers: ClinVar variation 1491850 (VCV001491850.6), dbSNP rs1169037254, ClinGen allele CA410681229.
Genomic context (GRCh38, chr22:19,760,980, plus strand): 5'-GCCTGAGCAGCCTGGGGGCCGCGGGGGGCTTCCCGGGCGCCGCGTCGCCCGGCGCCGACC[C>T]GTACGGCCCGCGCGAGCCCCCGCCGCCGCCGCCGCGCTACGACCCGTGCGCCGCCGCCGC-3'
Protein context (NP_001366129.1, residues 36-56): FPGAASPGAD[Pro46Leu]YGPREPPPPP

ClinVar aggregate classification (germline): Uncertain significance (1 of 4 stars; one submission).

Conditions:
DiGeorge syndrome. Also called: THIRD AND FOURTH PHARYNGEAL POUCH SYNDROME; Catch22. Identifiers: Orphanet 567, MedGen C0012236, MONDO:0008564, OMIM 188400.

Allele frequency attached by ClinVar (database versions not stated): gnomAD 0.00001; gnomAD exomes 0.00005.
gnomAD v4.1: 44 of 967,354 alleles (0.0045%); highest among the groups gnomAD compares: Non-Finnish European, 0.0054%; no homozygotes.

Submission:

Labcorp Genetics (formerly Invitae), Labcorp
Classification: Uncertain significance for DiGeorge syndrome. Last evaluated: 2025-09-10. Review status: criteria provided, single submitter. Criteria: Invitae Variant Classification Sherloc (09022015). Collection method: clinical testing. Allele origin: germline.
Comment: This sequence change replaces proline, which is neutral and non-polar, with leucine, which is neutral and non-polar, at codon 37 of the TBX1 protein (p.Pro37Leu). The frequency data for this variant in the population databases is considered unreliable, as metrics indicate poor data quality at this position in the gnomAD database. This variant has not been reported in the literature in individuals affected with TBX1-related conditions. ClinVar contains an entry for this variant (Variation ID: 1491850). Invitae Evidence Modeling of protein sequence and biophysical properties (such as structural, functional, and spatial information, amino acid conservation, physicochemical variation, residue mobility, and thermodynamic stability) indicates that this missense variant is not expected to disrupt TBX1 protein function with a negative predictive value of 80%. In summary, the available evidence is currently insufficient to determine the role of this variant in disease. Therefore, it has been classified as a Variant of Uncertain Significance.